The following is an entry in ClinVar:

ClinVar aggregate classification (germline): Uncertain significance (1 of 4 stars; one submission).

Submission:

Athena Diagnostics
Classification: Uncertain significance. Last evaluated: 2024-05-22. Review status: criteria provided, single submitter. Criteria: Athena Diagnostics Criteria. Collection method: clinical testing. Allele origin: unknown.
Comment: Available data are insufficient to determine the clinical significance of the variant at this time. This variant has not been reported in large, multi-ethnic general populations. Polyphen and MutationTaster predict this amino acid change may be benign.

NM_014363.6(SACS):c.80C>T (p.Ala27Val)

Genes: SACS (sacsin molecular chaperone; minus strand), LOC130009366 (ATAC-STARR-seq lymphoblastoid silent region 5172; plus strand). Cytogenetic location: 13q12.12.
Variant type: single nucleotide variant.
Coding change: c.80C>T on transcript NM_014363.6 (MANE Select); coding-DNA position 80, C replaced by T.
Protein change: p.Ala27Val; replaces alanine 27 with valine.
Molecular consequence: missense variant. On other transcripts: 5 prime UTR variant (1).
Genome position (GRCh38, 1-based): chr13:23,375,210, G>A on the plus strand (C>T on the coding strand, the complement: SACS is on the minus strand). VCF-style: chr13-23375210-G-A. GRCh37 (hg19) VCF-style: chr13-23949349-G-A.
Other names: c.-274C>T (NM_001278055.2); short protein forms A27V.
Identifiers: ClinVar variation 3571703 (VCV003571703.1).
Genomic context (GRCh38, chr13:23,375,210, plus strand): 5'-GACACCGGGAAGCCAGTCTCCGCGAAGATACGTTCCTTCACATCGCGCACGGTCCAGGAC[G>A]CCAGCGCCGCGACGGTCCTGCAGCCCACGCAGCCGGGGAGCACGGTCACCGGGACCCACC-3'
Protein context (NP_055178.3, residues 17-37): CVGCRTVAAL[Ala27Val]SWTVRDVKER